The following is an entry in ClinVar:

ClinVar aggregate classification (germline): Uncertain significance (1 of 4 stars; one submission).

Allele frequency attached by ClinVar (database versions not stated): ExAC 0.00005; gnomAD exomes 0.00005; gnomAD 0.00006 and 0.00007; TOPMed 0.00006; ESP Exome Variant Server 0.00008; 1000 Genomes Project 0.00020; 1000 Genomes Project 30x 0.00031.
gnomAD v4.1: 81 of 1,591,506 alleles (0.0051%); highest among the groups gnomAD compares: African/African-American, 0.008%; no homozygotes.

Submission:

Labcorp Genetics (formerly Invitae), Labcorp
Classification: Uncertain significance. Last evaluated: 2024-05-20. Review status: criteria provided, single submitter. Criteria: Invitae Variant Classification Sherloc (09022015). Collection method: clinical testing. Allele origin: germline.
Comment: This sequence change replaces aspartic acid, which is acidic and polar, with asparagine, which is neutral and polar, at codon 121 of the ZNF335 protein (p.Asp121Asn). This variant is present in population databases (rs375438170, gnomAD 0.01%). This variant has not been reported in the literature in individuals affected with ZNF335-related conditions. ClinVar contains an entry for this variant (Variation ID: 1417571). Advanced modeling of protein sequence and biophysical properties (such as structural, functional, and spatial information, amino acid conservation, physicochemical variation, residue mobility, and thermodynamic stability) performed at Invitae indicates that this missense variant is not expected to disrupt ZNF335 protein function with a negative predictive value of 80%. In summary, the available evidence is currently insufficient to determine the role of this variant in disease. Therefore, it has been classified as a Variant of Uncertain Significance.

NM_022095.4(ZNF335):c.361G>A (p.Asp121Asn)

Gene: ZNF335 (zinc finger protein 335; minus strand). Cytogenetic location: 20q13.12.
Variant type: single nucleotide variant.
Coding change: c.361G>A on transcript NM_022095.4 (MANE Select); coding-DNA position 361, G replaced by A.
Protein change: p.Asp121Asn; replaces aspartic acid 121 with asparagine.
Molecular consequence: missense variant.
Genome position (GRCh38, 1-based): chr20:45,969,532, C>T on the plus strand (G>A on the coding strand, the complement: ZNF335 is on the minus strand). VCF-style: chr20-45969532-C-T. GRCh37 (hg19) VCF-style: chr20-44598171-C-T.
Other names: short protein forms D121N.
Identifiers: ClinVar variation 1417571 (VCV001417571.8), dbSNP rs375438170, ClinGen allele CA9886126.